The following is an entry in ClinVar:

NM_206933.4(USH2A):c.15090G>A (p.Ser5030=)

Gene: USH2A (usherin; minus strand). Cytogenetic location: 1q41.
Variant type: single nucleotide variant.
Coding change: c.15090G>A on transcript NM_206933.4 (MANE Select); coding-DNA position 15090, G replaced by A.
Protein change: p.Ser5030=; no amino-acid change (serine 5030 retained).
Molecular consequence: synonymous variant.
Genome position (GRCh38, 1-based): chr1:215,634,666, C>T on the plus strand (G>A on the coding strand, the complement: USH2A is on the minus strand). VCF-style: chr1-215634666-C-T. GRCh37 (hg19) VCF-style: chr1-215808008-C-T.
Identifiers: ClinVar variation 48454 (VCV000048454.24), dbSNP rs397517997, ClinGen allele CA143382.

ClinVar aggregate classification (germline): Likely benign. Review status: criteria provided, multiple submitters, no conflicts (2 of 4 stars). 9 submissions from 8 submitters: Likely benign (8). 1 of the submissions does not count toward it. Last evaluated 2025-11-05.

Conditions:
USH2A-related disorder. Also called: USH2A-related condition; USH2A-related disorders. Identifiers: MedGen CN239332.
Retinitis pigmentosa 39 (RP39). Identifiers: Orphanet 791, MedGen C3151138, MONDO:0013436, OMIM 613809.
Usher syndrome type 2A. Also called: RETINAL DISEASE IN USHER SYNDROME TYPE IIA, MODIFIER OF; USHER SYNDROME, TYPE IIA. Identifiers: Orphanet 231178, Orphanet 886, MedGen C1848634, MONDO:0010169, OMIM 276901.

Allele frequency attached by ClinVar (database versions not stated): gnomAD exomes 0.00005 and 0.00012; ExAC 0.00010; gnomAD 0.00014; TOPMed 0.00033; 1000 Genomes Project 0.00060; 1000 Genomes Project 30x 0.00062.
gnomAD v4.1: 109 of 1,614,230 alleles (0.0068%); highest among the groups gnomAD compares: Admixed American, 0.08%; no homozygotes.

Submissions (9):

Women's Health and Genetics/Laboratory Corporation of America, LabCorp
Classification: Likely benign. Last evaluated: 2025-11-05. Review status: criteria provided, single submitter. Criteria: LabCorp Variant Classification Summary - May 2015. Collection method: clinical testing. Allele origin: germline.

Labcorp Genetics (formerly Invitae), Labcorp
Classification: Likely benign. Last evaluated: 2025-09-12. Review status: criteria provided, single submitter. Criteria: Invitae Variant Classification Sherloc (09022015). Collection method: clinical testing. Allele origin: germline.

Blueprint Genetics
Classification: Likely benign. Last evaluated: 2024-06-10. Review status: criteria provided, single submitter. Criteria: ACMG Guidelines, 2015. Collection method: clinical testing. Allele origin: germline.

Genome-Nilou Lab
Classification: Likely benign for Retinitis pigmentosa 39. Last evaluated: 2023-11-04. Review status: criteria provided, single submitter. Criteria: ACMG Guidelines, 2015. Collection method: clinical testing. Allele origin: germline. Affected: no.

Genome-Nilou Lab
Classification: Likely benign for Usher syndrome type 2A. Last evaluated: 2023-11-04. Review status: criteria provided, single submitter. Criteria: ACMG Guidelines, 2015. Collection method: clinical testing. Allele origin: germline. Affected: no.

GeneDx
Classification: Likely benign. Last evaluated: 2020-06-15. Review status: criteria provided, single submitter. Criteria: GeneDx Variant Classification Process June 2021. Collection method: clinical testing. Allele origin: germline. Affected: yes.

Laboratory for Molecular Medicine, Mass General Brigham Personalized Medicine
Classification: Likely benign. Last evaluated: 2011-09-17. Review status: criteria provided, single submitter. Criteria: LMM Criteria. Collection method: clinical testing. Allele origin: germline. Observed: 1 variant allele.
Comment: Ser5030Ser in exon 70 of USH2A: This variant is not expected to have clinical si gnificance because it does not alter an amino acid residue and is not located ne ar a splice junction.

Breakthrough Genomics
Classification: Likely benign. Review status: criteria provided, single submitter. Criteria: ACMG Guidelines, 2015. Collection method: not provided. Allele origin: germline. Inheritance: Autosomal recessive inheritance. Affected: yes.

PreventionGenetics, part of Exact Sciences
Classification: Likely benign for USH2A-related condition. Last evaluated: 2019-06-25. Review status: no assertion criteria provided. Collection method: clinical testing. Allele origin: germline. Not counted in ClinVar's aggregate classification.
Comment: This variant is classified as likely benign based on ACMG/AMP sequence variant interpretation guidelines (Richards et al. 2015 PMID: 25741868, with internal and published modifications).